The following is an entry in ClinVar:

ClinVar aggregate classification (germline): Likely benign (0 of 4 stars; one submission).

Conditions:
FOXC2-related disorder. Also called: FOXC2-related condition.

Submission:

PreventionGenetics, part of Exact Sciences
Classification: Likely benign for FOXC2-related condition. Last evaluated: 2020-11-06. Review status: no assertion criteria provided. Collection method: clinical testing. Allele origin: germline.
Comment: This variant is classified as likely benign based on ACMG/AMP sequence variant interpretation guidelines (Richards et al. 2015 PMID: 25741868, with internal and published modifications).

NM_005251.3(FOXC2):c.708G>A (p.Ala236=)

Gene: FOXC2 (forkhead box C2; plus strand). Cytogenetic location: 16q24.1.
Variant type: single nucleotide variant.
Coding change: c.708G>A on transcript NM_005251.3 (MANE Select); coding-DNA position 708, G replaced by A.
Protein change: p.Ala236=; no amino-acid change (alanine 236 retained).
Molecular consequence: synonymous variant.
Genome position (GRCh38, 1-based): chr16:86,568,043, G>A. VCF-style: chr16-86568043-G-A. GRCh37 (hg19) VCF-style: chr16-86601649-G-A.
Identifiers: ClinVar variation 3031604 (VCV003031604.2), dbSNP rs1322051872, ClinGen allele CA497014570.
Genomic context (GRCh38, chr16:86,568,043, plus strand): 5'-GGCGGCGTCCCCGGCGCTGCCGGTCATCACCAAGGTGGAGACGCTGAGCCCCGAGAGCGC[G>A]CTGCAGGGCAGCCCGCGCAGCGCGGCCTCCACGCCCGCCGGCTCCCCCGACGGCTCGCTG-3'
Protein context (NP_005242.1, residues 226-246): TKVETLSPES[Ala236=]LQGSPRSAAS